The following is an entry in ClinVar:

ClinVar aggregate classification (germline): Uncertain significance (1 of 4 stars; one submission).

Conditions:
Hereditary cancer-predisposing syndrome. Also called: Neoplastic Syndromes, Hereditary; Tumor predisposition; Hereditary neoplastic syndrome; Hereditary Cancer Syndrome. Identifiers: Orphanet 140162, MedGen C0027672, MeSH D009386, MONDO:0015356.

Submission:

Ambry Genetics
Classification: Uncertain significance for Hereditary cancer-predisposing syndrome. Last evaluated: 2023-12-14. Review status: criteria provided, single submitter. Criteria: Ambry Variant Classification Scheme 2023. Collection method: clinical testing. Allele origin: germline.
Comment: The p.L600M variant (also known as c.1798C>A), located in coding exon 9 of the MEN1 gene, results from a C to A substitution at nucleotide position 1798. The leucine at codon 600 is replaced by methionine, an amino acid with highly similar properties. This amino acid position is conserved. In addition, the in silico prediction for this alteration is inconclusive. Since supporting evidence is limited at this time, the clinical significance of this alteration remains unclear.

NM_001370259.2(MEN1):c.1798C>A (p.Leu600Met)

Gene: MEN1 (menin 1; minus strand). Cytogenetic location: 11q13.1.
Variant type: single nucleotide variant.
Coding change: c.1798C>A on transcript NM_001370259.2 (MANE Select); coding-DNA position 1798, C replaced by A.
Protein change: p.Leu600Met; replaces leucine 600 with methionine.
Molecular consequence: missense variant. On other transcripts: non-coding transcript variant (4).
Genome position (GRCh38, 1-based): chr11:64,804,369, G>T on the plus strand (C>A on the coding strand, the complement: MEN1 is on the minus strand). VCF-style: chr11-64804369-G-T. GRCh37 (hg19) VCF-style: chr11-64571841-G-T.
Other names: c.1813C>A, p.Leu605Met (NM_000244.4, NM_001407145.1, NM_130800.3 and 4 more transcripts); c.1924C>A, p.Leu642Met (NM_001370251.2, NM_001407142.1, NM_001407143.1 and 1 more transcripts); c.1798C>A, p.Leu600Met (NM_001370260.2, NM_001370261.2, NM_001407146.1 and 2 more transcripts); c.1693C>A, p.Leu565Met (NM_001370262.2, NM_001370263.2, NM_001407148.1 and 1 more transcripts); c.1939C>A, p.Leu647Met (NM_001407150.1); c.1819C>A, p.Leu607Met (NM_001407151.1); c.1633C>A, p.Leu545Met (NM_001407152.1); short protein forms L545M, L565M, L600M, L605M, L607M, L642M, L647M.
Identifiers: ClinVar variation 3229086 (VCV003229086.1), dbSNP rs2136077489, ClinGen allele CA381177195.